The following is an entry in ClinVar:

ClinVar aggregate classification (germline): Uncertain significance (1 of 4 stars; one submission).

Conditions:
2-aminoadipic 2-oxoadipic aciduria (AAKAD). Also called: Aminoadipic aciduria; ALPHA-AMINOADIPIC AND ALPHA-KETOADIPIC ACIDURIA. Identifiers: Orphanet 79154, MedGen C1859817, MONDO:0008774, OMIM 204750.

gnomAD v4.1: 10 of 1,614,156 alleles (0.00062%); highest among the groups gnomAD compares: Non-Finnish European, 0.00068%; no homozygotes.

Submission:

Labcorp Genetics (formerly Invitae), Labcorp
Classification: Uncertain significance for 2-aminoadipic 2-oxoadipic aciduria. Last evaluated: 2024-01-04. Review status: criteria provided, single submitter. Criteria: Invitae Variant Classification Sherloc (09022015). Collection method: clinical testing. Allele origin: germline.
Comment: This sequence change replaces glutamine, which is neutral and polar, with lysine, which is basic and polar, at codon 97 of the DHTKD1 protein (p.Gln97Lys). This variant is not present in population databases (gnomAD no frequency). This variant has not been reported in the literature in individuals affected with DHTKD1-related conditions. Advanced modeling of protein sequence and biophysical properties (such as structural, functional, and spatial information, amino acid conservation, physicochemical variation, residue mobility, and thermodynamic stability) performed at Invitae indicates that this missense variant is not expected to disrupt DHTKD1 protein function with a negative predictive value of 80%. In summary, the available evidence is currently insufficient to determine the role of this variant in disease. Therefore, it has been classified as a Variant of Uncertain Significance.

NM_018706.7(DHTKD1):c.289C>A (p.Gln97Lys)

Gene: DHTKD1 (dehydrogenase E1 and transketolase domain containing 1; plus strand). Cytogenetic location: 10p14.
Variant type: single nucleotide variant.
Coding change: c.289C>A on transcript NM_018706.7 (MANE Select); coding-DNA position 289, C replaced by A.
Protein change: p.Gln97Lys; replaces glutamine 97 with lysine.
Molecular consequence: missense variant.
Genome position (GRCh38, 1-based): chr10:12,081,606, C>A. VCF-style: chr10-12081606-C-A. GRCh37 (hg19) VCF-style: chr10-12123605-C-A.
Other names: short protein forms Q97K.
Identifiers: ClinVar variation 2758830 (VCV002758830.3), dbSNP rs2491465841, ClinGen allele CA376014794.